The following is an entry in ClinVar:

NM_001854.4(COL11A1):c.4657A>G (p.Lys1553Glu)

Gene: COL11A1 (collagen type XI alpha 1 chain; minus strand). Cytogenetic location: 1p21.1.
Variant type: single nucleotide variant.
Coding change: c.4657A>G on transcript NM_001854.4 (MANE Select); coding-DNA position 4657, A replaced by G.
Protein change: p.Lys1553Glu; replaces lysine 1553 with glutamic acid.
Molecular consequence: missense variant. On other transcripts: non-coding transcript variant (1).
Genome position (GRCh38, 1-based): chr1:102,887,008, T>C on the plus strand (A>G on the coding strand, the complement: COL11A1 is on the minus strand). VCF-style: chr1-102887008-T-C. GRCh37 (hg19) VCF-style: chr1-103352564-T-C.
Other names: c.4540A>G, p.Lys1514Glu (NM_001190709.2); c.4693A>G, p.Lys1565Glu (NM_080629.3); c.4309A>G, p.Lys1437Glu (NM_080630.4); short protein forms K1437E, K1514E, K1553E, K1565E.
Identifiers: ClinVar variation 3385274 (VCV003385274.1).
Genomic context (GRCh38, chr1:102,887,008, plus strand): 5'-AGTAATCAAGAATATTATCATCTGCATCTGCTTGCATGCCTTCAGTATGTCTTCTCGTTT[T>C]TTTGGAGGACAAGATTGGTAAAGGCTGAATGACTTCACCAGGTGGACCCTGTAAAGAAGA-3'
Protein context (NP_001845.3, residues 1543-1563): IQPLPILSSK[Lys1553Glu]TRRHTEGMQA

ClinVar aggregate classification (germline): Uncertain significance (1 of 4 stars; one submission).

Submission:

Women's Health and Genetics/Laboratory Corporation of America, LabCorp
Classification: Uncertain significance. Last evaluated: 2024-10-16. Review status: criteria provided, single submitter. Criteria: LabCorp Variant Classification Summary - May 2015. Collection method: clinical testing. Allele origin: germline.
Comment: Variant summary: COL11A1 c.4657A>G (p.Lys1553Glu) results in a conservative amino acid change in the encoded protein sequence. Four of five in-silico tools predict a benign effect of the variant on protein function. The variant was absent in 251172 control chromosomes. The available data on variant occurrences in the general population are insufficient to allow any conclusion about variant significance. To our knowledge, no occurrence of c.4657A>G in individuals affected with Stickler Syndrome and no experimental evidence demonstrating its impact on protein function have been reported. No submitters have cited clinical-significance assessments for this variant to ClinVar. Based on the evidence outlined above, the variant was classified as uncertain significance.